The following is an entry in ClinVar:

NM_001082486.2(ACD):c.1003C>T (p.Arg335Cys)

Gene: ACD (ACD shelterin complex subunit and telomerase recruitment factor; minus strand). Cytogenetic location: 16q22.1.
Variant type: single nucleotide variant.
Coding change: c.1003C>T on transcript NM_001082486.2 (MANE Select); coding-DNA position 1003, C replaced by T.
Protein change: p.Arg335Cys; replaces arginine 335 with cysteine.
Molecular consequence: missense variant.
Genome position (GRCh38, 1-based): chr16:67,658,189, G>A on the plus strand (C>T on the coding strand, the complement: ACD is on the minus strand). VCF-style: chr16-67658189-G-A. GRCh37 (hg19) VCF-style: chr16-67692092-G-A.
Other names: c.994C>T, p.Arg332Cys (NM_022914.3); short protein forms R332C, R335C.
Identifiers: ClinVar variation 1062234 (VCV001062234.11), dbSNP rs762262197, ClinGen allele CA8114465.

ClinVar aggregate classification (germline): Uncertain significance. Review status: criteria provided, multiple submitters, no conflicts (2 of 4 stars). 2 submissions from 2 submitters: Uncertain significance (2). Last evaluated 2025-12-09.

Conditions:
Inborn genetic diseases. Identifiers: MedGen C0950123, MeSH D030342.
Dyskeratosis congenita, autosomal dominant 6 (DKCA6). Identifiers: Orphanet 3322, MedGen C4225284, MONDO:0014690, OMIM 616553.

Allele frequency attached by ClinVar (database versions not stated): gnomAD exomes below 0.00001 and 0.00002; ExAC 0.00001; TOPMed 0.00001.

Submissions (2):

Labcorp Genetics (formerly Invitae), Labcorp
Classification: Uncertain significance for Dyskeratosis congenita, autosomal dominant 6. Last evaluated: 2025-12-09. Review status: criteria provided, single submitter. Criteria: Invitae Variant Classification Sherloc (09022015). Collection method: clinical testing. Allele origin: germline.
Comment: This sequence change replaces arginine, which is basic and polar, with cysteine, which is neutral and slightly polar, at codon 421 of the ACD protein (p.Arg421Cys). This variant is present in population databases (rs762262197, gnomAD 0.003%). This variant has not been reported in the literature in individuals affected with ACD-related conditions. ClinVar contains an entry for this variant (Variation ID: 1062234). Invitae Evidence Modeling of protein sequence and biophysical properties (such as structural, functional, and spatial information, amino acid conservation, physicochemical variation, residue mobility, and thermodynamic stability) indicates that this missense variant is not expected to disrupt ACD protein function with a negative predictive value of 80%. In summary, the available evidence is currently insufficient to determine the role of this variant in disease. Therefore, it has been classified as a Variant of Uncertain Significance.

Ambry Genetics
Classification: Uncertain significance for Inborn genetic diseases. Last evaluated: 2023-08-25. Review status: criteria provided, single submitter. Criteria: Ambry Variant Classification Scheme 2023. Collection method: clinical testing. Allele origin: germline.
Comment: The p.R421C variant (also known as c.1261C>T), located in coding exon 10 of the ACD gene, results from a C to T substitution at nucleotide position 1261. The arginine at codon 421 is replaced by cysteine, an amino acid with highly dissimilar properties. This amino acid position is conserved. In addition, this alteration is predicted to be tolerated by in silico analysis. Since supporting evidence is limited at this time, the clinical significance of this alteration remains unclear.